The following is an entry in ClinVar:

NM_001276270.2(MBD4):c.298G>A (p.Gly100Arg)

Gene: MBD4 (methyl-CpG binding domain 4, DNA glycosylase; minus strand). Cytogenetic location: 3q21.3.
Variant type: single nucleotide variant.
Coding change: c.298G>A on transcript NM_001276270.2 (MANE Select); coding-DNA position 298, G replaced by A.
Protein change: p.Gly100Arg; replaces glycine 100 with arginine.
Molecular consequence: missense variant. On other transcripts: intron variant (1).
Genome position (GRCh38, 1-based): chr3:129,437,757, C>T on the plus strand (G>A on the coding strand, the complement: MBD4 is on the minus strand). VCF-style: chr3-129437757-C-T. GRCh37 (hg19) VCF-style: chr3-129156600-C-T.
Other names: c.298G>A, p.Gly100Arg (NM_001276271.2, NM_001276272.2, NM_003925.3); c.247+51G>A (NM_001276273.2); short protein forms G100R.
Identifiers: ClinVar variation 3723798 (VCV003723798.3).

ClinVar aggregate classification (germline): Uncertain significance. Review status: criteria provided, multiple submitters, no conflicts (2 of 4 stars). 2 submissions from 2 submitters: Uncertain significance (2). Last evaluated 2025-05-18.

Conditions:
Inborn genetic diseases. Identifiers: MedGen C0950123, MeSH D030342.

Submissions (2):

Ambry Genetics
Classification: Uncertain significance for Inborn genetic diseases. Last evaluated: 2025-05-18. Review status: criteria provided, single submitter. Criteria: Ambry Variant Classification Scheme 2023. Collection method: clinical testing. Allele origin: germline.
Comment: The p.G100R variant (also known as c.298G>A), located in coding exon 2 of the MBD4 gene, results from a G to A substitution at nucleotide position 298. The glycine at codon 100 is replaced by arginine, an amino acid with dissimilar properties. This amino acid position is conserved. In addition, this alteration is predicted to be deleterious by in silico analysis. Based on the available evidence, the clinical significance of this variant remains unclear.

Labcorp Genetics (formerly Invitae), Labcorp
Classification: Uncertain significance. Last evaluated: 2024-12-04. Review status: criteria provided, single submitter. Criteria: Invitae Variant Classification Sherloc (09022015). Collection method: clinical testing. Allele origin: germline.
Comment: This sequence change replaces glycine, which is neutral and non-polar, with arginine, which is basic and polar, at codon 100 of the MBD4 protein (p.Gly100Arg). This variant is not present in population databases (gnomAD no frequency). This variant has not been reported in the literature in individuals affected with MBD4-related conditions. An algorithm developed to predict the effect of missense changes on protein structure and function (PolyPhen-2) suggests that this variant is likely to be disruptive. Algorithms developed to predict the effect of sequence changes on RNA splicing suggest that this variant may disrupt the consensus splice site. In summary, the available evidence is currently insufficient to determine the role of this variant in disease. Therefore, it has been classified as a Variant of Uncertain Significance.